The following is an entry in ClinVar:

NM_004208.4(AIFM1):c.911C>T (p.Thr304Met)

Genes: AIFM1 (apoptosis inducing factor mitochondria associated 1; minus strand), RAB33A (RAB33A, member RAS oncogene family; plus strand). Cytogenetic location: Xq26.1.
Variant type: single nucleotide variant.
Coding change: c.911C>T on transcript NM_004208.4 (MANE Select); coding-DNA position 911, C replaced by T.
Protein change: p.Thr304Met; replaces threonine 304 with methionine.
Molecular consequence: missense variant. On other transcripts: non-coding transcript variant (1).
Genome position (GRCh38, 1-based): chrX:130,138,649, G>A on the plus strand (C>T on the coding strand, the complement: AIFM1 is on the minus strand). VCF-style: chrX-130138649-G-A. GRCh37 (hg19) VCF-style: chrX-129272624-G-A.
Other names: c.911C>T, p.Thr304Met (NM_001130847.4); c.899C>T, p.Thr300Met (NM_145812.3); short protein forms T300M, T304M.
Identifiers: ClinVar variation 813285 (VCV000813285.4), dbSNP rs200114054, ClinGen allele CA10515372.

ClinVar aggregate classification (germline): Conflicting classifications of pathogenicity. Review status: criteria provided, conflicting classifications (1 of 4 stars). 3 submissions from 3 submitters: Uncertain significance (2); Benign (1). Last evaluated 2020-09-16.

Conditions:
Inborn genetic diseases. Identifiers: MedGen C0950123, MeSH D030342.
Intellectual disability. Also called: intellectual disabilities; Intellectual developmental disorder; Intellectual functioning disability. Identifiers: MedGen C3714756, MeSH D008607, MONDO:0001071, HP:0001249.

Allele frequency attached by ClinVar (database versions not stated): ExAC 0.00001; gnomAD 0.00001; gnomAD exomes 0.00001; TOPMed 0.00002.
gnomAD v4.1: 9 of 1,208,406 alleles (0.00074%); highest among the groups gnomAD compares: African/African-American, 0.0035%; no homozygotes.

Submissions (3):

Ambry Genetics
Classification: Uncertain significance for Inborn genetic diseases. Last evaluated: 2020-09-16. Review status: criteria provided, single submitter. Criteria: Ambry Variant Classification Scheme 2023. Collection method: clinical testing. Allele origin: germline.
Comment: The p.T304M variant (also known as c.911C>T), located in coding exon 9 of the AIFM1 gene, results from a C to T substitution at nucleotide position 911. The threonine at codon 304 is replaced by methionine, an amino acid with similar properties. Based on data from gnomAD, this alteration has an overall frequency of 0.001% (2/183440) total alleles studied. This amino acid position is highly conserved in available vertebrate species. In addition, this alteration is predicted to be deleterious by in silico analysis. Since supporting evidence is limited at this time, the clinical significance of this alteration remains unclear.

Blueprint Genetics
Classification: Uncertain significance. Last evaluated: 2020-03-13. Review status: criteria provided, single submitter. Criteria: ACMG Guidelines, 2015. Collection method: clinical testing. Allele origin: germline.

Cytogénomique, Hospices Civils de Lyon
Classification: Benign for Intellectual disability. Review status: criteria provided, single submitter. Criteria: ACMG Guidelines, 2015. Collection method: clinical testing. Allele origin: maternal. Inheritance: X-linked inheritance. Affected: yes.